The following is an entry in ClinVar:

ClinVar aggregate classification (germline): Pathogenic. Review status: criteria provided, single submitter (1 of 4 stars). 3 submissions from 3 submitters: Pathogenic (1). 2 of the submissions do not count toward it. Last evaluated 2025-11-06.

Conditions:
USH2A-related disorder. Also called: USH2A-related condition; USH2A-related disorders. Identifiers: MedGen CN239332.

Submissions (3):

Myriad Genetics, Inc.
Classification: Pathogenic for USH2A-related disorder. Last evaluated: 2025-11-06. Review status: criteria provided, single submitter. Criteria: Myriad Autosomal Dominant, Autosomal Recessive and X-Linked Classification Criteria (2023). Collection method: clinical testing. Allele origin: unknown.
Comment: NM_206933.2(USH2A):c.11875C>T(Q3959*) is a nonsense variant classified as pathogenic in the context of USH2A-related disorders. Q3959* has been observed in a case with relevant disease (PMID: 32176120). Relevant functional assessments of this variant are not available in the literature. Q3959* has not been observed in referenced population frequency databases. In summary, NM_206933.2(USH2A):c.11875C>T(Q3959*) is a nonsense variant in a gene where loss of function is a known mechanism of disease, is predicted to disrupt protein function, and has been observed more frequently in cases with the relevant disease than in healthy populations. Please note: this variant was assessed in the context of healthy population screening.

Clinical Genetics DNA and cytogenetics Diagnostics Lab, Erasmus MC, Erasmus Medical Center
Classification: Pathogenic. Review status: no assertion criteria provided. Collection method: clinical testing. Allele origin: germline. Affected: yes. Study: VKGL Data-share Consensus. Not counted in ClinVar's aggregate classification.

Clinical Genetics, Academic Medical Center
Classification: Pathogenic. Review status: no assertion criteria provided. Collection method: clinical testing. Allele origin: germline. Affected: yes. Study: VKGL Data-share Consensus. Not counted in ClinVar's aggregate classification.

Literature cited by the submitters: PubMed 32176120 (cited by Myriad Genetics, Inc.).

NM_206933.4(USH2A):c.11875C>T (p.Gln3959Ter)

Gene: USH2A (usherin; minus strand). Cytogenetic location: 1q41.
Variant type: single nucleotide variant.
Coding change: c.11875C>T on transcript NM_206933.4 (MANE Select); coding-DNA position 11875, C replaced by T.
Protein change: p.Gln3959Ter; replaces glutamine 3959 with a stop codon.
Molecular consequence: nonsense.
Genome position (GRCh38, 1-based): chr1:215,728,221, G>A on the plus strand (C>T on the coding strand, the complement: USH2A is on the minus strand). VCF-style: chr1-215728221-G-A. GRCh37 (hg19) VCF-style: chr1-215901563-G-A.
Other names: short protein forms Q3959*.
Identifiers: ClinVar variation 1284883 (VCV001284883.4), dbSNP rs2102713573, ClinGen allele CA344828836.